The following is an entry in ClinVar:

NC_000003.11:g.(?_42733354)_(42733485_?)dup

Gene: KLHL40 (kelch like family member 40; plus strand). Cytogenetic location: 3p22.1.
Variant type: Duplication.
Identifiers: ClinVar variation 2427374 (VCV002427374.3).

ClinVar aggregate classification (germline): Uncertain significance (1 of 4 stars; one submission).

Conditions:
Nemaline myopathy 8 (NEM8). Also called: Nemaline myopathy 8, autosomal recessive. Identifiers: Orphanet 171430, MedGen C3809209, MONDO:0014138, OMIM 615348.

Submission:

Labcorp Genetics (formerly Invitae), Labcorp
Classification: Uncertain significance for Nemaline myopathy 8. Last evaluated: 2022-07-17. Review status: criteria provided, single submitter. Criteria: Invitae Variant Classification Sherloc (09022015). Collection method: clinical testing. Allele origin: germline.
Comment: This variant results in a copy number gain of the genomic region encompassing exon(s) 6 of the KLHL40 gene. This region includes the termination codon of the gene. This copy number gain extends beyond the assayed region for this gene and therefore may encompass additional genes. As the precise location of this event is unknown, it may be in tandem or it may be located elsewhere in the genome. This variant has not been reported in the literature in individuals affected with KLHL40-related conditions. Experimental studies and prediction algorithms are not available or were not evaluated, and the functional significance of this variant is currently unknown. In summary, the available evidence is currently insufficient to determine the role of this variant in disease. Therefore, it has been classified as a Variant of Uncertain Significance.